The following is an entry in ClinVar:

NM_000350.3(ABCA4):c.6446G>C (p.Arg2149Pro)

Gene: ABCA4 (ATP binding cassette subfamily A member 4; minus strand). Cytogenetic location: 1p22.1.
Variant type: single nucleotide variant.
Coding change: c.6446G>C on transcript NM_000350.3 (MANE Select); coding-DNA position 6446, G replaced by C.
Protein change: p.Arg2149Pro; replaces arginine 2149 with proline.
Molecular consequence: missense variant.
Genome position (GRCh38, 1-based): chr1:94,000,869, C>G on the plus strand (G>C on the coding strand, the complement: ABCA4 is on the minus strand). VCF-style: chr1-94000869-C-G. GRCh37 (hg19) VCF-style: chr1-94466425-C-G.
Other names: c.6224G>C, p.Arg2075Pro (NM_001425324.1); short protein forms R2149P, R2075P.
Identifiers: ClinVar variation 1480664 (VCV001480664.8), dbSNP rs61750655, ClinGen allele CA341277290.

ClinVar aggregate classification (germline): Conflicting classifications of pathogenicity. Review status: criteria provided, conflicting classifications (1 of 4 stars). 3 submissions from 3 submitters: Likely pathogenic (1); Uncertain significance (1). 1 of the submissions does not count toward it. Last evaluated 2022-06-17.

Conditions:
Stargardt disease (FFM). Also called: Fundus flavimaculatus; Stargardt's disease. Identifiers: Orphanet 827, MedGen C0271093, MONDO:0019353.

Submissions (3):

Labcorp Genetics (formerly Invitae), Labcorp
Classification: Likely pathogenic. Last evaluated: 2022-06-17. Review status: criteria provided, single submitter. Criteria: Invitae Variant Classification Sherloc (09022015). Collection method: clinical testing. Allele origin: germline.
Comment: In summary, the currently available evidence indicates that the variant is pathogenic, but additional data are needed to prove that conclusively. Therefore, this variant has been classified as Likely Pathogenic. Algorithms developed to predict the effect of missense changes on protein structure and function (SIFT, PolyPhen-2, Align-GVGD) all suggest that this variant is likely to be tolerated. This missense change has been observed in individual(s) with retinitis pigmentosa and/or Stargardt disease (Invitae). In at least one individual the data is consistent with being in trans (on the opposite chromosome) from a pathogenic variant. This variant is not present in population databases (gnomAD no frequency). This sequence change replaces arginine, which is basic and polar, with proline, which is neutral and non-polar, at codon 2149 of the ABCA4 protein (p.Arg2149Pro).

Blueprint Genetics
Classification: Uncertain significance. Last evaluated: 2022-01-13. Review status: criteria provided, single submitter. Criteria: ACMG Guidelines, 2015. Collection method: clinical testing. Allele origin: germline.

Ophthalmo-Genetics Lab, Instituto de Oftalmologia Conde de Valenciana
Classification: Likely pathogenic for Stargardt disease. Last evaluated: 2022-12-19. Review status: no assertion criteria provided. Collection method: research. Allele origin: biparental. Inheritance: Autosomal recessive inheritance. Affected: yes. Observed: 1 compound heterozygote. Not counted in ClinVar's aggregate classification.
Comment: PP1,PP4,PM3,PM1,PP2,PM2,PM5,PP3 ACMG Criteria

Literature cited by the submitters: PubMed 30578500 (cited by Ophthalmo-Genetics Lab, Instituto de Oftalmologia Conde de Valenciana).